The following is an entry in ClinVar:

NM_001077446.4(TSEN34):c.788G>C (p.Trp263Ser)

Gene: TSEN34 (tRNA splicing endonuclease subunit 34; plus strand). Cytogenetic location: 19q13.42.
Variant type: single nucleotide variant.
Coding change: c.788G>C on transcript NM_001077446.4 (MANE Select); coding-DNA position 788, G replaced by C.
Protein change: p.Trp263Ser; replaces tryptophan 263 with serine.
Molecular consequence: missense variant.
Genome position (GRCh38, 1-based): chr19:54,193,217, G>C. VCF-style: chr19-54193217-G-C. GRCh37 (hg19) VCF-style: chr19-54697072-G-C.
Other names: c.788G>C, p.Trp263Ser (NM_001282332.2, NM_001282333.2, NM_001386740.1 and 1 more transcripts); short protein forms W263S.
Identifiers: ClinVar variation 1473969 (VCV001473969.6), dbSNP rs1568856649, ClinGen allele CA407765594.

ClinVar aggregate classification (germline): Uncertain significance (1 of 4 stars; one submission).

Allele frequency attached by ClinVar (database versions not stated): gnomAD exomes below 0.00001.
gnomAD v4.1: 2 of 1,613,966 alleles (0.00012%); highest among the groups gnomAD compares: Non-Finnish European, 0.00017%; no homozygotes.

Submission:

Labcorp Genetics (formerly Invitae), Labcorp
Classification: Uncertain significance. Last evaluated: 2024-01-29. Review status: criteria provided, single submitter. Criteria: Invitae Variant Classification Sherloc (09022015). Collection method: clinical testing. Allele origin: germline.
Comment: This sequence change replaces tryptophan, which is neutral and slightly polar, with serine, which is neutral and polar, at codon 263 of the TSEN34 protein (p.Trp263Ser). This variant is not present in population databases (gnomAD no frequency). This variant has not been reported in the literature in individuals affected with TSEN34-related conditions. ClinVar contains an entry for this variant (Variation ID: 1473969). An algorithm developed to predict the effect of missense changes on protein structure and function (PolyPhen-2) suggests that this variant is likely to be disruptive. In summary, the available evidence is currently insufficient to determine the role of this variant in disease. Therefore, it has been classified as a Variant of Uncertain Significance.